The following is an entry in ClinVar:

NM_001039141.3(TRIOBP):c.5051C>T (p.Thr1684Met)

Gene: TRIOBP (TRIO and F-actin binding protein; plus strand). Cytogenetic location: 22q13.1.
Variant type: single nucleotide variant.
Coding change: c.5051C>T on transcript NM_001039141.3 (MANE Select); coding-DNA position 5051, C replaced by T.
Protein change: p.Thr1684Met; replaces threonine 1684 with methionine.
Molecular consequence: missense variant.
Genome position (GRCh38, 1-based): chr22:37,735,387, C>T. VCF-style: chr22-37735387-C-T. GRCh37 (hg19) VCF-style: chr22-38131394-C-T.
Other names: c.5051C>T (NM_001039141.2); short protein forms T1684M.
Identifiers: ClinVar variation 1951579 (VCV001951579.5), dbSNP rs375129555, ClinGen allele CA10224496.

ClinVar aggregate classification (germline): Uncertain significance. Review status: criteria provided, multiple submitters, no conflicts (2 of 4 stars). 2 submissions from 2 submitters: Uncertain significance (2). Last evaluated 2024-08-19.

Allele frequency attached by ClinVar (database versions not stated): gnomAD 0.00001; ESP Exome Variant Server 0.00008; ExAC 0.00009.
gnomAD v4.1: 41 of 1,606,168 alleles (0.0026%); highest among the groups gnomAD compares: Middle Eastern, 0.066%; no homozygotes.

Submissions (2):

GeneDx
Classification: Uncertain significance. Last evaluated: 2024-08-19. Review status: criteria provided, single submitter. Criteria: GeneDx Variant Classification Process June 2021. Collection method: clinical testing. Allele origin: germline. Affected: yes.
Comment: Not observed at significant frequency in large population cohorts (gnomAD); In silico analysis indicates that this missense variant does not alter protein structure/function; Has not been previously published as pathogenic or benign to our knowledge

Labcorp Genetics (formerly Invitae), Labcorp
Classification: Uncertain significance. Last evaluated: 2022-07-06. Review status: criteria provided, single submitter. Criteria: Invitae Variant Classification Sherloc (09022015). Collection method: clinical testing. Allele origin: germline.
Comment: In summary, the available evidence is currently insufficient to determine the role of this variant in disease. Therefore, it has been classified as a Variant of Uncertain Significance. Algorithms developed to predict the effect of missense changes on protein structure and function output the following: SIFT: "Tolerated"; PolyPhen-2: "Benign"; Align-GVGD: "Class C0". The methionine amino acid residue is found in multiple mammalian species, which suggests that this missense change does not adversely affect protein function. This variant has not been reported in the literature in individuals affected with TRIOBP-related conditions. This variant is present in population databases (rs375129555, gnomAD 0.007%). This sequence change replaces threonine, which is neutral and polar, with methionine, which is neutral and non-polar, at codon 1684 of the TRIOBP protein (p.Thr1684Met).